The following is an entry in ClinVar:

NM_000465.4(BARD1):c.2171C>T (p.Ala724Val)

Gene: BARD1 (BRCA1 associated RING domain 1; minus strand). Cytogenetic location: 2q35.
Variant type: single nucleotide variant.
Coding change: c.2171C>T on transcript NM_000465.4 (MANE Select); coding-DNA position 2171, C replaced by T.
Protein change: p.Ala724Val; replaces alanine 724 with valine.
Molecular consequence: missense variant. On other transcripts: non-coding transcript variant (3).
Genome position (GRCh38, 1-based): chr2:214,728,839, G>A on the plus strand (C>T on the coding strand, the complement: BARD1 is on the minus strand). VCF-style: chr2-214728839-G-A. GRCh37 (hg19) VCF-style: chr2-215593563-G-A.
Other names: c.2114C>T, p.Ala705Val (NM_001282543.2); c.818C>T, p.Ala273Val (NM_001282545.2); c.761C>T, p.Ala254Val (NM_001282548.2); c.632C>T, p.Ala211Val (NM_001282549.2); short protein forms A724V, A705V, A273V, A211V, A254V.
Identifiers: ClinVar variation 142711 (VCV000142711.30), dbSNP rs587782662, ClinGen allele CA169215.

ClinVar aggregate classification (germline): Uncertain significance. Review status: criteria provided, multiple submitters, no conflicts (2 of 4 stars). 10 submissions from 10 submitters: Uncertain significance (9). 1 of the submissions does not count toward it. Last evaluated 2026-02-26.

Conditions:
BARD1-related disorder. Also called: BARD1-related condition.
Hereditary cancer-predisposing syndrome. Also called: Tumor predisposition; Neoplastic Syndromes, Hereditary; Hereditary neoplastic syndrome; Hereditary Cancer Syndrome. Identifiers: Orphanet 140162, MedGen C0027672, MeSH D009386, MONDO:0015356.
Familial cancer of breast. Also called: BREAST CANCER, FAMILIAL; Hereditary breast cancer; hereditary breast carcinoma. Identifiers: Orphanet 227535, MedGen C0346153, MONDO:0016419, OMIM 114480. Disease mechanism: loss of function.

Allele frequency attached by ClinVar (database versions not stated): gnomAD 0.00001; gnomAD exomes 0.00001 and 0.00003; TOPMed 0.00002; ExAC 0.00004.
gnomAD v4.1: 20 of 1,614,024 alleles (0.0012%); highest among the groups gnomAD compares: Middle Eastern, 0.049%; 1 homozygote.

Submissions (10):

Ambry Genetics
Classification: Uncertain significance for Hereditary cancer-predisposing syndrome. Last evaluated: 2026-02-26. Review status: criteria provided, single submitter. Criteria: Ambry Variant Classification Scheme 2023. Collection method: clinical testing. Allele origin: germline.

Labcorp Genetics (formerly Invitae), Labcorp
Classification: Uncertain significance for Familial cancer of breast. Last evaluated: 2026-01-13. Review status: criteria provided, single submitter. Criteria: Invitae Variant Classification Sherloc (09022015). Collection method: clinical testing. Allele origin: germline.
Comment: This sequence change replaces alanine, which is neutral and non-polar, with valine, which is neutral and non-polar, at codon 724 of the BARD1 protein (p.Ala724Val). This variant is present in population databases (rs587782662, gnomAD 0.006%). This missense change has been observed in individual(s) with breast and/or ovarian cancer (PMID: 31036035, 32068069, 32885271, 33606809). ClinVar contains an entry for this variant (Variation ID: 142711). An algorithm developed to predict the effect of missense changes on protein structure and function (PolyPhen-2) suggests that this variant is likely to be disruptive. Experimental studies have shown that this missense change affects BARD1 function (PMID: 26350354). RNA analysis performed to evaluate the impact of this missense change on mRNA splicing indicates it does not significantly alter splicing (internal data). In summary, the available evidence is currently insufficient to determine the role of this variant in disease. Therefore, it has been classified as a Variant of Uncertain Significance.

PreventionGenetics, part of Exact Sciences
Classification: Uncertain significance for BARD1-related condition. Last evaluated: 2025-12-24. Review status: criteria provided, single submitter. Criteria: ACMG Guidelines, 2015. Collection method: clinical testing. Allele origin: germline.
Comment: The BARD1 c.2171C>T variant is predicted to result in the amino acid substitution p.Ala724Val. This variant was reported in an individual with breast cancer, but was also reported in controls (Weber-Lassalle et al. 2019. PubMed ID: 31036035, Table S4). It is reported to have intermediate homology-directed repair (HDR) function (Lee et al. 2015. PubMed ID: 26350354). This variant is reported in 0.0062% of alleles in individuals of European (Non-Finnish) descent in gnomAD and is interpreted as uncertain significance in ClinVar (Variation ID:142711﻿). At this time, the clinical significance of this variant is uncertain due to the absence of conclusive functional and genetic evidence.

Quest Diagnostics Nichols Institute San Juan Capistrano
Classification: Uncertain significance. Last evaluated: 2025-08-25. Review status: criteria provided, single submitter. Criteria: Quest Diagnostics criteria. Collection method: clinical testing. Allele origin: unknown.
Comment: The BARD1 c.2171C>T (p.Ala724Val) variant has been reported in individuals with breast cancer (PMID: 31036035 (2019), 33606809 (2021), 32885271 (2021), 33471991 (2021), see also LOVD), fallopian tube cancer (PMID: 33452952 (2021)), as well as in reportedly unaffected individuals (PMID: 31036035 (2019), 32658311 (2021), 36243179 (2022)). Experimental studies indicate this variant has an intermediate effect on BARD1 homology-directed DNA repair activity (PMID: 26350354 (2015)), and does not impact BARD1 mRNA splicing (PMID: 33452952 (2021)). The frequency of this variant in the general population (Genome Aggregation Database) is uninformative in the assessment of its pathogenicity. Analysis of this variant using bioinformatics tools for the prediction of the effect of amino acid changes on protein structure and function yielded predictions that this variant is damaging. Based on the available information, we are unable to determine the clinical significance of this variant.

GeneDx
Classification: Uncertain significance. Last evaluated: 2025-02-26. Review status: criteria provided, single submitter. Criteria: GeneDx Variant Classification Process June 2021. Collection method: clinical testing. Allele origin: germline.
Comment: Published functional studies are inconclusive: intermediate level of homology-directed repair activity compared to wild-type (PMID: 26350354); In silico analysis supports that this missense variant has a deleterious effect on protein structure/function; This variant is associated with the following publications: (PMID: 31036035, 26350354, 33452952, 32881420, 36530327, 32658311, 32885271, 36243179, 17550235, 33606809)

Women's Health and Genetics/Laboratory Corporation of America, LabCorp
Classification: Uncertain significance. Last evaluated: 2024-09-23. Review status: criteria provided, single submitter. Criteria: LabCorp Variant Classification Summary - May 2015. Collection method: clinical testing. Allele origin: germline.
Comment: Variant summary: BARD1 c.2171C>T (p.Ala724Val) results in a non-conservative amino acid change located in the BRCT domain (IPR001357) of the encoded protein sequence. Five of five in-silico tools predict a damaging effect of the variant on protein function. The variant allele was found at a frequency of 1.3e-05 in 1633792 control chromosomes in the gnomAD database, including 1 homozygotes. This frequency is not significantly higher than estimated for a pathogenic variant in BARD1 causing Breast Cancer (1.3e-05 vs 0.00025), allowing no conclusion about variant significance. c.2171C>T has been reported in the literature in individuals affected with Breast Cancer (example, Kwong_2020, Sandoval_2021, Weber-Lassalle_2019, Yang_2021). These report(s) do not provide unequivocal conclusions about association of the variant with Breast Cancer. At least one publication reports experimental evidence evaluating an impact on protein function. The most pronounced variant effect results in >50%-90% of normal activity in a homology-directed repair assay in vitro (example, Lee_2015). The following publications have been ascertained in the context of this evaluation (PMID: 32068069, 26350354, 33606809, 31036035, 33452952). ClinVar contains an entry for this variant (Variation ID: 142711). Based on the evidence outlined above, the variant was classified as uncertain significance.

Color Diagnostics, LLC DBA Color Health
Classification: Uncertain significance for Hereditary cancer-predisposing syndrome. Last evaluated: 2024-02-12. Review status: criteria provided, single submitter. Criteria: ACMG Guidelines, 2015. Collection method: clinical testing. Allele origin: germline.
Comment: This missense variant replaces alanine with valine at codon 724 of the BARD1 protein. Computational prediction suggests that this variant may not impact protein structure and function. A functional study has reported that the variant protein causes a partial reduction in the homology-directed DNA repair activity (PMID: 26350354). An RNA splice study has reported that this variant does not impair RNA splicing (PMID: 33452952). This variant has been reported in individuals affected with breast cancer (PMID: 31036035, 32885271). This variant has been identified in 7/251332 chromosomes in the general population by the Genome Aggregation Database (gnomAD). The available evidence is insufficient to determine the role of this variant in disease conclusively. Therefore, this variant is classified as a Variant of Uncertain Significance.

Baylor Genetics
Classification: Uncertain significance for Familial cancer of breast. Last evaluated: 2023-09-19. Review status: criteria provided, single submitter. Criteria: ACMG Guidelines, 2015. Collection method: clinical testing. Allele origin: unknown.

Fulgent Genetics
Classification: Uncertain significance for Familial cancer of breast. Last evaluated: 2018-10-31. Review status: criteria provided, single submitter. Criteria: ACMG Guidelines, 2015. Collection method: clinical testing. Allele origin: unknown.

Department of Pathology and Laboratory Medicine, Sinai Health System
Classification: Uncertain significance. Review status: no assertion criteria provided. Collection method: clinical testing. Allele origin: unknown. Affected: yes. Study: The Canadian Open Genetics Repository (COGR). Not counted in ClinVar's aggregate classification.
Comment: The BARD1 p.Ala724Val variant was not identified in the literature nor was it identified in the, MutDB, or Zhejiang Colon Cancer Databases. The variant was identified in dbSNP as â€šÃ„Ãºwith uncertain significance alleleâ€šÃ„Ã¹. The variant was also identified in ClinVar and Clinvitae databases with uncertain significance by Ambry Genetics and Invitae; in the Cosmic database in a carcinoma of the large intestine. The variant was identified in control databases in 7 of 246096 chromosomes at a frequency of 0.00003 (Genome Aggregation Consortium Feb 27, 2017). The p.Ala724 residue is conserved across mammals and other organisms, and four out of five computational analyses (PolyPhen-2, SIFT, AlignGVGD, BLOSUM, MutationTaster) suggest that the Val variant may impact the protein; however, this information is not predictive enough to assume pathogenicity. The variant occurs outside of the splicing consensus sequence and in silico or computational prediction software programs (SpliceSiteFinder, MaxEntScan, NNSPLICE, GeneSplicer, HumanSpliceFinder) do not predict a difference in splicing. The variant is located with the BRCT functional domains, the clinical significance of which is unclear. In summary, based on the above information, the clinical significance of this variant cannot be determined with certainty at this time. This variant is classified as a variant of uncertain significance.

Literature cited by the submitters: PubMed 31036035 (cited by 4 submitters); PubMed 32068069 (cited by Labcorp Genetics (formerly Invitae), Labcorp and Women's Health and Genetics/Laboratory Corporation of America, LabCorp); PubMed 32885271 (cited by 3 submitters); PubMed 33606809 (cited by 3 submitters); PubMed 26350354 (cited by 4 submitters); PubMed 33471991 (cited by Quest Diagnostics Nichols Institute San Juan Capistrano); PubMed 36243179 (cited by Quest Diagnostics Nichols Institute San Juan Capistrano); PubMed 33452952 (cited by 3 submitters); PubMed 32658311 (cited by Quest Diagnostics Nichols Institute San Juan Capistrano).